The following is an entry in ClinVar:

NM_001082538.3(TCTN1):c.1079A>G (p.Gln360Arg)

Gene: TCTN1 (tectonic family member 1; plus strand). Cytogenetic location: 12q24.11.
Variant type: single nucleotide variant.
Coding change: c.1079A>G on transcript NM_001082538.3 (MANE Select); coding-DNA position 1079, A replaced by G.
Protein change: p.Gln360Arg; replaces glutamine 360 with arginine.
Molecular consequence: missense variant. On other transcripts: non-coding transcript variant (1).
Genome position (GRCh38, 1-based): chr12:110,641,124, A>G. VCF-style: chr12-110641124-A-G. GRCh37 (hg19) VCF-style: chr12-111078929-A-G.
Other names: c.1079A>G, p.Gln360Arg (NM_001082537.3, NM_001319680.2); c.911A>G, p.Gln304Arg (NM_001173975.3); c.899A>G, p.Gln300Arg (NM_001173976.2); c.545A>G, p.Gln182Arg (NM_001319681.2); c.1037A>G, p.Gln346Arg (NM_024549.6); short protein forms Q182R, Q300R, Q304R, Q346R, Q360R.
Identifiers: ClinVar variation 1393626 (VCV001393626.6), dbSNP rs774343613, ClinGen allele CA6786804.
Genomic context (GRCh38, chr12:110,641,124, plus strand): 5'-CCAAAGCTGATCTCTCATTCGTTCTGGGGACAGTTAGCAGCGTAGTGGTCCCACTGCAGC[A>G]AAAGTTTGAAATTCATTTTCTTCAGGTAAGGTTGATCAATTTGGCATAAGTATTTAATTG-3'
Protein context (NP_001076007.1, residues 350-370): TVSSVVVPLQ[Gln360Arg]KFEIHFLQEN

ClinVar aggregate classification (germline): Uncertain significance (1 of 4 stars; one submission).

Conditions:
Joubert syndrome. Also called: CEREBELLOPARENCHYMAL DISORDER IV; JOUBERT-BOLTSHAUSER SYNDROME; Familial aplasia of the vermis. Identifiers: Orphanet 475, MedGen C5979921, MONDO:0018772.
Meckel-Gruber syndrome. Also called: DYSENCEPHALIA SPLANCHNOCYSTICA; GRUBER SYNDROME; Dysencephalia splachnocystica. Identifiers: Orphanet 564, MedGen C0265215, MONDO:0018921.

Allele frequency attached by ClinVar (database versions not stated): gnomAD exomes below 0.00001; ExAC 0.00001.
gnomAD v4.1: 1 of 1,614,264 alleles (0.000062%); highest among the groups gnomAD compares: Non-Finnish European, 0.000085%; no homozygotes.

Submission:

Labcorp Genetics (formerly Invitae), Labcorp
Classification: Uncertain significance for Joubert syndrome; Meckel-Gruber syndrome. Last evaluated: 2022-09-27. Review status: criteria provided, single submitter. Criteria: Invitae Variant Classification Sherloc (09022015). Collection method: clinical testing. Allele origin: germline.
Comment: This sequence change replaces glutamine, which is neutral and polar, with arginine, which is basic and polar, at codon 360 of the TCTN1 protein (p.Gln360Arg). This variant is present in population databases (rs774343613, gnomAD 0.0009%). This variant has not been reported in the literature in individuals affected with TCTN1-related conditions. ClinVar contains an entry for this variant (Variation ID: 1393626). Advanced modeling of protein sequence and biophysical properties (such as structural, functional, and spatial information, amino acid conservation, physicochemical variation, residue mobility, and thermodynamic stability) performed at Invitae indicates that this missense variant is expected to disrupt TCTN1 protein function. In summary, the available evidence is currently insufficient to determine the role of this variant in disease. Therefore, it has been classified as a Variant of Uncertain Significance.